The following is an entry in ClinVar:

ClinVar aggregate classification (germline): Benign (1 of 4 stars; one submission).

Allele frequency attached by ClinVar (database versions not stated): 1000 Genomes Project 30x 0.00500; 1000 Genomes Project 0.00519; ExAC 0.01000; gnomAD 0.01003; TOPMed 0.01063; ESP Exome Variant Server 0.01146.
gnomAD v4.1: 20,206 of 1,614,196 alleles (1.3%); highest among the groups gnomAD compares: Non-Finnish European, 1.4%; 165 homozygotes.

Submission:

CeGaT Center for Human Genetics Tuebingen
Classification: Benign. Last evaluated: 2026-09-01. Review status: criteria provided, single submitter. Criteria: CeGaT Center For Human Genetics Tuebingen Variant Classification Criteria Version 2. Collection method: clinical testing. Allele origin: germline. Affected: yes. Observed: 50 variant alleles.
Comment: CRPPA: BS1, BS2

NC_000007.14:g.16462765T>C

Genes: CRPPA (CDP-L-ribitol pyrophosphorylase A; minus strand), SOSTDC1 (sclerostin domain containing 1; minus strand). Cytogenetic location: 7p21.2.
Variant type: single nucleotide variant.
Molecular consequence: missense variant (on NM_015464.3).
Genome position: GRCh38 VCF-style: chr7-16462765-T-C. GRCh37 (hg19) VCF-style: chr7-16502390-T-C.
Other names: c.404A>G, p.Asn135Ser (NM_015464.3); short protein forms N135S.
Identifiers: ClinVar variation 2657327 (VCV002657327.24), dbSNP rs143801072, ClinGen allele CA4169721.